The following is an entry in ClinVar:

ClinVar aggregate classification (germline): Uncertain significance. Review status: criteria provided, multiple submitters, no conflicts (2 of 4 stars). 2 submissions from 2 submitters: Uncertain significance (2). Last evaluated 2022-10-04.

Conditions:
Short-rib thoracic dysplasia 14 with polydactyly (SRTD14). Identifiers: Orphanet 397715, MedGen C4225286, MONDO:0014688, OMIM 616546.
Joubert syndrome 23 (JBTS23). Identifiers: Orphanet 475, MedGen C4084822, MONDO:0014664, OMIM 616490.

Allele frequency attached by ClinVar (database versions not stated): gnomAD exomes below 0.00001.
gnomAD v4.1: 2 of 1,500,608 alleles (0.00013%); highest among the groups gnomAD compares: Admixed American, 0.002%; no homozygotes.

Submissions (2):

Labcorp Genetics (formerly Invitae), Labcorp
Classification: Uncertain significance for Joubert syndrome 23; Short-rib thoracic dysplasia 14 with polydactyly. Last evaluated: 2022-10-04. Review status: criteria provided, single submitter. Criteria: Invitae Variant Classification Sherloc (09022015). Collection method: clinical testing. Allele origin: germline.
Comment: In summary, the available evidence is currently insufficient to determine the role of this variant in disease. Therefore, it has been classified as a Variant of Uncertain Significance. Variants that disrupt the consensus splice site are a relatively common cause of aberrant splicing (PMID: 17576681, 9536098). Algorithms developed to predict the effect of sequence changes on RNA splicing suggest that this variant is not likely to affect RNA splicing. This variant has not been reported in the literature in individuals affected with KIAA0586-related conditions. The frequency data for this variant in the population databases is considered unreliable, as metrics indicate poor data quality at this position in the gnomAD database. This sequence change falls in intron 5 of the KIAA0586 gene. It does not directly change the encoded amino acid sequence of the KIAA0586 protein. It affects a nucleotide within the consensus splice site.

Blueprint Genetics
Classification: Uncertain significance. Last evaluated: 2022-07-14. Review status: criteria provided, single submitter. Criteria: ACMG Guidelines, 2015. Collection method: clinical testing. Allele origin: germline.

Literature cited by the submitters: PubMed 17576681 (cited by Labcorp Genetics (formerly Invitae), Labcorp); PubMed 9536098 (cited by Labcorp Genetics (formerly Invitae), Labcorp).

NM_001329943.3(KIAA0586):c.410+3A>G

Gene: KIAA0586 (KIAA0586; plus strand). Cytogenetic location: 14q23.1.
Variant type: single nucleotide variant.
Coding change: c.410+3A>G on transcript NM_001329943.3 (MANE Select); 3 bases into the intron after coding-DNA position 410, A replaced by G.
Molecular consequence: intron variant.
Genome position (GRCh38, 1-based): chr14:58,432,460, A>G. VCF-style: chr14-58432460-A-G. GRCh37 (hg19) VCF-style: chr14-58899178-A-G.
Other names: c.446+3A>G (NM_001244189.2); c.365+3A>G (NM_001244190.2); c.155+3A>G (NM_001244192.2, NM_001244191.2, NM_001364701.2 and 2 more transcripts); c.410+3A>G (NM_001329944.2, NM_001329946.2, NM_001329947.2 and 1 more transcripts).
Identifiers: ClinVar variation 1972569 (VCV001972569.6), dbSNP rs1344105817, ClinGen allele CA614356518.